The following is an entry in ClinVar:

ClinVar aggregate classification (germline): Uncertain significance (1 of 4 stars; one submission).

Conditions:
Familial thoracic aortic aneurysm and aortic dissection (TAAD). Also called: Thoracic aortic aneurysms and dissections. Identifiers: Orphanet 91387, MedGen C4707243, MONDO:0019625.

Submission:

Ambry Genetics
Classification: Uncertain significance for Familial thoracic aortic aneurysm and aortic dissection. Last evaluated: 2017-03-03. Review status: criteria provided, single submitter. Criteria: Ambry Variant Classification Scheme 2023. Collection method: clinical testing. Allele origin: germline.
Comment: The p.I205M variant (also known as c.615T>G), located in coding exon 4 of the TGFBR1 gene, results from a T to G substitution at nucleotide position 615. The isoleucine at codon 205 is replaced by methionine, an amino acid with highly similar properties, and is in the protein kinase domain. This alteration was reported in a study of clinical genetic testing; however, clinical details were limited (Pepin MG et al. Genet. Med., 2016 Jan;18:20-4). This amino acid position is highly conserved in available vertebrate species. In addition, this alteration is predicted to be deleterious by in silico analysis. Since supporting evidence is limited at this time, the clinical significance of this alteration remains unclear.

Literature cited by the submitters: PubMed 25834947.

NM_004612.4(TGFBR1):c.615T>G (p.Ile205Met)

Gene: TGFBR1 (transforming growth factor beta receptor 1; plus strand). Cytogenetic location: 9q22.33.
Variant type: single nucleotide variant.
Coding change: c.615T>G on transcript NM_004612.4 (MANE Select); coding-DNA position 615, T replaced by G.
Protein change: p.Ile205Met; replaces isoleucine 205 with methionine.
Molecular consequence: missense variant.
Genome position (GRCh38, 1-based): chr9:99,137,899, T>G. VCF-style: chr9-99137899-T-G. GRCh37 (hg19) VCF-style: chr9-101900181-T-G.
Other names: c.384T>G, p.Ile128Met (NM_001130916.3); c.627T>G, p.Ile209Met (NM_001306210.2, NM_001407416.1); c.615T>G, p.Ile205Met (NM_001407417.1); c.420T>G, p.Ile140Met (NM_001407418.1, NM_001407419.1, NM_001407420.1 and 1 more transcripts); c.408T>G, p.Ile136Met (NM_001407423.1, NM_001407424.1, NM_001407425.1 and 8 more transcripts); c.369T>G, p.Ile123Met (NM_001407436.1); c.138T>G, p.Ile46Met (NM_001407438.1); short protein forms I205M, I209M, I128M, I136M, I46M, I123M, I140M.
Identifiers: ClinVar variation 1751956 (VCV001751956.2), dbSNP rs2118709815, ClinGen allele CA374229434.